The following is an entry in ClinVar:

ClinVar aggregate classification (germline): Uncertain significance. Review status: criteria provided, multiple submitters, no conflicts (2 of 4 stars). 2 submissions from 2 submitters: Uncertain significance (2). Last evaluated 2026-01-14.

Conditions:
Hereditary cancer-predisposing syndrome. Also called: Tumor predisposition; Hereditary Cancer Syndrome; Hereditary neoplastic syndrome; Neoplastic Syndromes, Hereditary. Identifiers: Orphanet 140162, MedGen C0027672, MeSH D009386, MONDO:0015356.

Submissions (2):

Ambry Genetics
Classification: Uncertain significance for Hereditary cancer-predisposing syndrome. Last evaluated: 2026-01-14. Review status: criteria provided, single submitter. Criteria: Ambry Variant Classification Scheme 2023. Collection method: clinical testing. Allele origin: germline.

GeneDx
Classification: Uncertain significance. Last evaluated: 2023-04-24. Review status: criteria provided, single submitter. Criteria: GeneDx Variant Classification Process June 2021. Collection method: clinical testing. Allele origin: germline. Affected: yes.
Comment: Not observed at significant frequency in large population cohorts (gnomAD); In silico analysis supports that this missense variant has a deleterious effect on protein structure/function; Has not been previously published as pathogenic or benign to our knowledge; This variant is associated with the following publications: (PMID: 20951805)

NM_006231.4(POLE):c.1964A>T (p.Asp655Val)

Gene: POLE (DNA polymerase epsilon, catalytic subunit; minus strand). Cytogenetic location: 12q24.33.
Variant type: single nucleotide variant.
Coding change: c.1964A>T on transcript NM_006231.4 (MANE Select); coding-DNA position 1964, A replaced by T.
Protein change: p.Asp655Val; replaces aspartic acid 655 with valine.
Molecular consequence: missense variant.
Genome position (GRCh38, 1-based): chr12:132,668,697, T>A on the plus strand (A>T on the coding strand, the complement: POLE is on the minus strand). VCF-style: chr12-132668697-T-A. GRCh37 (hg19) VCF-style: chr12-133245283-T-A.
Other names: short protein forms D655V.
Identifiers: ClinVar variation 2662747 (VCV002662747.2), dbSNP rs1593792751, ClinGen allele CA387355078.